The following is an entry in ClinVar:

ClinVar aggregate classification (germline): Likely benign. Review status: criteria provided, multiple submitters, no conflicts (2 of 4 stars). 2 submissions from 2 submitters: Likely benign (2). Last evaluated 2018-06-18.

Allele frequency attached by ClinVar (database versions not stated): 1000 Genomes Project 0.00260; 1000 Genomes Project 30x 0.00297; TOPMed 0.00389; gnomAD 0.00682 and 0.00711.
gnomAD v4.1: 6,968 of 938,180 alleles (0.74%); highest among the groups gnomAD compares: Non-Finnish European, 0.84%; 55 homozygotes.

Submissions (2):

GeneDx
Classification: Likely benign. Last evaluated: 2018-06-18. Review status: criteria provided, single submitter. Criteria: GeneDx Variant Classification (06012015). Collection method: clinical testing. Allele origin: germline. Affected: yes.
Comment: This variant is considered likely benign or benign based on one or more of the following criteria: it is a conservative change, it occurs at a poorly conserved position in the protein, it is predicted to be benign by multiple in silico algorithms, and/or has population frequency not consistent with disease.

Breakthrough Genomics
Classification: Likely benign. Review status: criteria provided, single submitter. Criteria: ACMG Guidelines, 2015. Collection method: not provided. Allele origin: germline. Inheritance: Autosomal recessive inheritance. Affected: yes.

NM_000051.4(ATM):c.901+99C>A

Gene: ATM (ATM serine/threonine kinase; plus strand). Cytogenetic location: 11q22.3.
Variant type: single nucleotide variant.
Coding change: c.901+99C>A on transcript NM_000051.4 (MANE Select); 99 bases into the intron after coding-DNA position 901, C replaced by A.
Molecular consequence: intron variant.
Genome position (GRCh38, 1-based): chr11:108,245,125, C>A. VCF-style: chr11-108245125-C-A. GRCh37 (hg19) VCF-style: chr11-108115852-C-A.
Other names: c.901+99C>A (NM_001351834.2).
Identifiers: ClinVar variation 675903 (VCV000675903.2), dbSNP rs1800755, ClinGen allele CA228385139.